The following is an entry in ClinVar:

NM_000138.5(FBN1):c.8050G>A (p.Gly2684Arg)

Gene: FBN1 (fibrillin 1; minus strand). Cytogenetic location: 15q21.1.
Variant type: single nucleotide variant.
Coding change: c.8050G>A on transcript NM_000138.5 (MANE Select); coding-DNA position 8050, G replaced by A.
Protein change: p.Gly2684Arg; replaces glycine 2684 with arginine.
Molecular consequence: missense variant.
Genome position (GRCh38, 1-based): chr15:48,415,537, C>T on the plus strand (G>A on the coding strand, the complement: FBN1 is on the minus strand). VCF-style: chr15-48415537-C-T. GRCh37 (hg19) VCF-style: chr15-48707734-C-T.
Other names: c.8050G>A, p.Gly2684Arg (NM_001406716.1); short protein forms G2684R.
Identifiers: ClinVar variation 4995126 (VCV004995126.1).
Genomic context (GRCh38, chr15:48,415,537, plus strand): 5'-ACTTAATTATATTACGAATGAAAGAATCTCCAACCATGACCAGGAAGAGCACTGCTTACC[C>T]TTGGCCTATGCGGAAGTAACCAGGTGGACAGCCACACAGGTAACCGCCCTCGGTATTGGA-3'
Protein context (NP_000129.3, residues 2674-2694): CPPGYFRIGQ[Gly2684Arg]HCVSGMGMGR

ClinVar aggregate classification (germline): Uncertain significance (1 of 4 stars; one submission).

Conditions:
FBN1-related disorder. Also called: FBN1-related disorders.

Submission:

PreventionGenetics, part of Exact Sciences
Classification: Uncertain significance for FBN1-related condition. Last evaluated: 2026-02-07. Review status: criteria provided, single submitter. Criteria: ACMG Guidelines, 2015. Collection method: clinical testing. Allele origin: germline.
Comment: The FBN1 c.8050G>A variant is predicted to result in the amino acid substitution p.Gly2684Arg. To our knowledge, this variant has not been reported in the literature or in a large population database (gnomAD), indicating this variant is rare. At this time, the clinical significance of this variant is uncertain due to the absence of conclusive functional and genetic evidence.